The following is an entry in ClinVar:

NM_022356.4(P3H1):c.640C>T (p.Arg214Ter)

Gene: P3H1 (prolyl 3-hydroxylase 1; minus strand). Cytogenetic location: 1p34.2.
Variant type: single nucleotide variant.
Coding change: c.640C>T on transcript NM_022356.4 (MANE Select); coding-DNA position 640, C replaced by T.
Protein change: p.Arg214Ter; replaces arginine 214 with a stop codon.
Molecular consequence: nonsense.
Genome position (GRCh38, 1-based): chr1:42,759,369, G>A on the plus strand (C>T on the coding strand, the complement: P3H1 is on the minus strand). VCF-style: chr1-42759369-G-A. GRCh37 (hg19) VCF-style: chr1-43225040-G-A.
Other names: p.R214X; c.640C>T, p.Arg214Ter (NM_001146289.2, NM_001243246.2); short protein forms R214*.
Identifiers: ClinVar variation 2429335 (VCV002429335.9), dbSNP rs200899260, ClinGen allele CA802105.

ClinVar aggregate classification (germline): Pathogenic. Review status: criteria provided, multiple submitters, no conflicts (2 of 4 stars). 4 submissions from 4 submitters: Pathogenic (3). 1 of the submissions does not count toward it. Last evaluated 2026-01-12.

Conditions:
Osteogenesis imperfecta type 8 (OI8). Identifiers: MedGen C1970458, MONDO:0012581, OMIM 610915.

Allele frequency attached by ClinVar (database versions not stated): gnomAD 0.00001; ExAC 0.00002; TOPMed 0.00002; gnomAD exomes 0.00003; 1000 Genomes Project 0.00020; 1000 Genomes Project 30x 0.00031.
gnomAD v4.1: 43 of 1,614,096 alleles (0.0027%); highest among the groups gnomAD compares: South Asian, 0.0066%; no homozygotes.

Submissions (4):

Labcorp Genetics (formerly Invitae), Labcorp
Classification: Pathogenic for Osteogenesis imperfecta type 8. Last evaluated: 2026-01-12. Review status: criteria provided, single submitter. Criteria: Invitae Variant Classification Sherloc (09022015). Collection method: clinical testing. Allele origin: germline.
Comment: This sequence change creates a premature translational stop signal (p.Arg214*) in the P3H1 gene. It is expected to result in an absent or disrupted protein product. Loss-of-function variants in P3H1 are known to be pathogenic (PMID: 17277775, 18566967, 19088120, 22281939). The frequency data for this variant in the population databases is considered unreliable, as metrics indicate poor data quality at this position in the gnomAD database. This premature translational stop signal has been observed in individual(s) with osteogenesis imperfecta (PMID: 22344438). ClinVar contains an entry for this variant (Variation ID: 2429335). For these reasons, this variant has been classified as Pathogenic.

Variantyx, Inc.
Classification: Pathogenic for Osteogenesis imperfecta type 8. Last evaluated: 2025-08-11. Review status: criteria provided, single submitter. Criteria: Variantyx Assertion Criteria 2022. Collection method: clinical testing. Allele origin: germline. Inheritance: Autosomal recessive inheritance.
Comment: This is a nonsense variant in the P3H1 gene (OMIM: 610339). Pathogenic variants in this gene have been associated with autosomal recessive osteogenesis imperfecta, type VIII. This variant introduces a premature termination codon in exon 3 out of 15. It is expected to result in loss of function, which is a known disease mechanism for P3H1 in this disorder (PMID: 17277775, 18566967, 19088120, 22281939) (PVS1). This variant has been identified in the compound heterozygous state in at least 1 individual(s) reported in the published literature (PMID: 36963805 ) (PM3). It has a 0.0066% maximum allele frequency in non-founder control populations (PM2). Based on the current evidence, this variant is classified as pathogenic for autosomal recessive osteogenesis imperfecta, type VIII.

GeneDx
Classification: Pathogenic. Last evaluated: 2025-01-02. Review status: criteria provided, single submitter. Criteria: GeneDx Variant Classification Process June 2021. Collection method: clinical testing. Allele origin: germline. Affected: yes.
Comment: Nonsense variant predicted to result in protein truncation or nonsense mediated decay in a gene for which loss of function is a known mechanism of disease; This variant is associated with the following publications: (PMID: 21228398, 25525159, 22344438, 36963805, 39455078)

Medical Genetics, Spectrum Health
Classification: Likely pathogenic for Osteogenesis imperfecta type 8. Review status: no assertion criteria provided. Collection method: clinical testing. Allele origin: paternal. Inheritance: Autosomal recessive inheritance. Affected: yes. Not counted in ClinVar's aggregate classification.
Comment: This variant is a predicted loss of function variant in a gene associated with a disorder in which loss of function is a known mechanism of disease (PVS1). Thus, our clinical interpretation of this variant is likely pathogenic.

Literature cited by the submitters: PubMed 17277775 (cited by Labcorp Genetics (formerly Invitae), Labcorp and Variantyx, Inc.); PubMed 18566967 (cited by Labcorp Genetics (formerly Invitae), Labcorp and Variantyx, Inc.); PubMed 19088120 (cited by Labcorp Genetics (formerly Invitae), Labcorp and Variantyx, Inc.); PubMed 22281939 (cited by Labcorp Genetics (formerly Invitae), Labcorp and Variantyx, Inc.); PubMed 22344438 (cited by Labcorp Genetics (formerly Invitae), Labcorp); PubMed 36963805 (cited by Variantyx, Inc.).